The following is an entry in ClinVar:

ClinVar aggregate classification (germline): Uncertain significance (1 of 4 stars; one submission).

Submission:

Labcorp Genetics (formerly Invitae), Labcorp
Classification: Uncertain significance. Last evaluated: 2022-07-19. Review status: criteria provided, single submitter. Criteria: Invitae Variant Classification Sherloc (09022015). Collection method: clinical testing. Allele origin: germline.
Comment: In summary, the available evidence is currently insufficient to determine the role of this variant in disease. Therefore, it has been classified as a Variant of Uncertain Significance. Algorithms developed to predict the effect of missense changes on protein structure and function are either unavailable or do not agree on the potential impact of this missense change (SIFT: "Deleterious"; PolyPhen-2: "Benign"; Align-GVGD: "Class C65"). ClinVar contains an entry for this variant (Variation ID: 1380767). This variant has not been reported in the literature in individuals affected with MPDZ-related conditions. This variant is not present in population databases (gnomAD no frequency). This sequence change replaces isoleucine, which is neutral and non-polar, with arginine, which is basic and polar, at codon 1508 of the MPDZ protein (p.Ile1508Arg).

NM_001378778.1(MPDZ):c.4523T>G (p.Ile1508Arg)

Gene: MPDZ (multiple PDZ domain crumbs cell polarity complex component; minus strand). Cytogenetic location: 9p23.
Variant type: single nucleotide variant.
Coding change: c.4523T>G on transcript NM_001378778.1 (MANE Select); coding-DNA position 4523, T replaced by G.
Protein change: p.Ile1508Arg; replaces isoleucine 1508 with arginine.
Molecular consequence: missense variant.
Genome position (GRCh38, 1-based): chr9:13,126,714, A>C on the plus strand (T>G on the coding strand, the complement: MPDZ is on the minus strand). VCF-style: chr9-13126714-A-C. GRCh37 (hg19) VCF-style: chr9-13126713-A-C.
Other names: c.4424T>G, p.Ile1475Arg (NM_001261406.2, NM_001261407.2, NM_001375416.1 and 3 more transcripts); c.4523T>G, p.Ile1508Arg (NM_001330637.2, NM_003829.5); c.4622T>G, p.Ile1541Arg (NM_001375413.1); c.4313T>G, p.Ile1438Arg (NM_001375420.1, NM_001375421.1, NM_001375422.1 and 4 more transcripts); c.4115T>G, p.Ile1372Arg (NM_001375427.1); short protein forms I1372R, I1475R, I1541R, I1438R, I1508R.
Identifiers: ClinVar variation 1380767 (VCV001380767.6), dbSNP rs1163669825, ClinGen allele CA372947119.